The following is an entry in ClinVar:

ClinVar aggregate classification (germline): Uncertain significance (1 of 4 stars; one submission).

Conditions:
Familial adenomatous polyposis 1 (FAP1). Also called: POLYPOSIS, ADENOMATOUS INTESTINAL; FAMILIAL ADENOMATOUS POLYPOSIS 1, ATTENUATED. Identifiers: MedGen C2713442, MONDO:0021056, OMIM 175100. Disease mechanism: loss of function.

Submission:

Labcorp Genetics (formerly Invitae), Labcorp
Classification: Uncertain significance for Familial adenomatous polyposis 1. Last evaluated: 2022-07-25. Review status: criteria provided, single submitter. Criteria: Invitae Variant Classification Sherloc (09022015). Collection method: clinical testing. Allele origin: germline.
Comment: In summary, the available evidence is currently insufficient to determine the role of this variant in disease. Therefore, it has been classified as a Variant of Uncertain Significance. Algorithms developed to predict the effect of missense changes on protein structure and function (SIFT, PolyPhen-2, Align-GVGD) all suggest that this variant is likely to be disruptive. This variant has not been reported in the literature in individuals affected with APC-related conditions. This variant is not present in population databases (gnomAD no frequency). This sequence change replaces histidine, which is basic and polar, with arginine, which is basic and polar, at codon 2554 of the APC protein (p.His2554Arg).

NM_000038.6(APC):c.7661A>G (p.His2554Arg)

Gene: APC (APC regulator of Wnt signaling pathway; plus strand). Cytogenetic location: 5q22.2.
Variant type: single nucleotide variant.
Coding change: c.7661A>G on transcript NM_000038.6 (MANE Select); coding-DNA position 7661, A replaced by G.
Protein change: p.His2554Arg; replaces histidine 2554 with arginine.
Molecular consequence: missense variant.
Genome position (GRCh38, 1-based): chr5:112,843,255, A>G. VCF-style: chr5-112843255-A-G. GRCh37 (hg19) VCF-style: chr5-112178952-A-G.
Other names: c.7661A>G, p.His2554Arg (NM_001127510.3, NM_001354895.2, NM_001407450.1); c.7607A>G, p.His2536Arg (NM_001127511.3); c.7715A>G, p.His2572Arg (NM_001354896.2, NM_001407447.1, NM_001407448.1 and 1 more transcripts); c.7691A>G, p.His2564Arg (NM_001354897.2); c.7586A>G, p.His2529Arg (NM_001354898.2); c.7577A>G, p.His2526Arg (NM_001354899.2); c.7538A>G, p.His2513Arg (NM_001354900.2); c.7484A>G, p.His2495Arg (NM_001354901.2, NM_001407453.1); and 11 more; short protein forms H2170R, H2453R, H2536R, H2547R, H2572R, H2394R, H2425R, H2428R.
Identifiers: ClinVar variation 2065558 (VCV002065558.4), dbSNP rs2149991483, ClinGen allele CA16037976.